The following is an entry in ClinVar:

ClinVar aggregate classification (germline): Conflicting classifications of pathogenicity. Review status: criteria provided, conflicting classifications (1 of 4 stars). 4 submissions from 4 submitters: Uncertain significance (3); Likely benign (1). Last evaluated 2026-02-19.

Conditions:
PLEC-related disorder. Also called: PLEC-related disorders; PLEC-related condition.
Inborn genetic diseases. Identifiers: MedGen C0950123, MeSH D030342.
Epidermolysis bullosa simplex, Ogna type (EBS5A). Also called: Pidermolysis bullosa simplex 5A, Ogna type; EPIDERMOLYSIS BULLOSA SIMPLEX 5A, OGNA TYPE. Identifiers: Orphanet 79401, MedGen C0432317, MONDO:0007555, OMIM 131950.
Epidermolysis bullosa simplex 5B, with muscular dystrophy (EBS5B). Also called: Epidermolysis bullosa simplex with muscular dystrophy; EPIDERMOLYSIS BULLOSA SIMPLEX AND LIMB-GIRDLE MUSCULAR DYSTROPHY. Identifiers: Orphanet 257, MedGen C2931072, MONDO:0009181, OMIM 226670.
Epidermolysis bullosa simplex with nail dystrophy (EBS5D). Identifiers: MedGen C4225309, MONDO:0014661, OMIM 616487.
Autosomal recessive limb-girdle muscular dystrophy type 2Q (LGMDR17). Also called: MUSCULAR DYSTROPHY, LIMB-GIRDLE, AUTOSOMAL RECESSIVE 17. Identifiers: Orphanet 254361, MedGen C3150989, MONDO:0013390, OMIM 613723.
Epidermolysis bullosa simplex 5C, with pyloric atresia (EBS5C). Also called: PLEC-Related Epidermolysis Bullosa with Pyloric Atresia; Epidermolysis bullosa simplex with pyloric atresia; PLEC1-Related Epidermolysis Bullosa with Pyloric Atresia. Identifiers: Orphanet 158684, MedGen C2677349, MONDO:0012807, OMIM 612138.

Allele frequency attached by ClinVar (database versions not stated): gnomAD exomes 0.00002 and 0.00005; ExAC 0.00003; TOPMed 0.00012; gnomAD 0.00013; 1000 Genomes Project 30x 0.00031; 1000 Genomes Project 0.00040.
gnomAD v4.1: 45 of 1,611,338 alleles (0.0028%); highest among the groups gnomAD compares: African/African-American, 0.044%; no homozygotes.

Submissions (4):

PreventionGenetics, part of Exact Sciences
Classification: Uncertain significance for PLEC-related condition. Last evaluated: 2026-02-19. Review status: criteria provided, single submitter. Criteria: ACMG Guidelines, 2015. Collection method: clinical testing. Allele origin: germline.
Comment: The PLEC c.982G>A variant is predicted to result in the amino acid substitution p.Ala328Thr. To our knowledge, this variant has not been reported in the literature. This variant is reported in 0.038% of alleles in individuals of African descent in gnomAD. At this time, the clinical significance of this variant is uncertain due to the absence of conclusive functional and genetic evidence.

Labcorp Genetics (formerly Invitae), Labcorp
Classification: Uncertain significance for Autosomal recessive limb-girdle muscular dystrophy type 2Q; Epidermolysis bullosa simplex, Ogna type; Epidermolysis bullosa simplex with nail dystrophy; Epidermolysis bullosa simplex 5C, with pyloric atresia; Epidermolysis bullosa simplex 5B, with muscular dystrophy. Last evaluated: 2025-08-18. Review status: criteria provided, single submitter. Criteria: Invitae Variant Classification Sherloc (09022015). Collection method: clinical testing. Allele origin: germline.
Comment: This sequence change replaces alanine, which is neutral and non-polar, with threonine, which is neutral and polar, at codon 328 of the PLEC protein (p.Ala328Thr). This variant is present in population databases (rs573432728, gnomAD 0.04%). This variant has not been reported in the literature in individuals affected with PLEC-related conditions. ClinVar contains an entry for this variant (Variation ID: 966784). Experimental studies and prediction algorithms are not available or were not evaluated, and the functional significance of this variant is currently unknown. In summary, the available evidence is currently insufficient to determine the role of this variant in disease. Therefore, it has been classified as a Variant of Uncertain Significance.

Ambry Genetics
Classification: Uncertain significance for Inborn genetic diseases. Last evaluated: 2024-03-07. Review status: criteria provided, single submitter. Criteria: Ambry Variant Classification Scheme 2023. Collection method: clinical testing. Allele origin: germline.

Revvity Omics, Revvity
Classification: Likely benign. Last evaluated: 2023-03-14. Review status: criteria provided, single submitter. Criteria: ACMG Guidelines, 2015. Collection method: clinical testing. Allele origin: germline.

NM_201384.3(PLEC):c.901G>A (p.Ala301Thr)

Gene: PLEC (plectin; minus strand). Cytogenetic location: 8q24.3.
Variant type: single nucleotide variant.
Coding change: c.901G>A on transcript NM_201384.3 (MANE Select); coding-DNA position 901, G replaced by A.
Protein change: p.Ala301Thr; replaces alanine 301 with threonine.
Molecular consequence: missense variant.
Genome position (GRCh38, 1-based): chr8:143,934,854, C>T on the plus strand (G>A on the coding strand, the complement: PLEC is on the minus strand). VCF-style: chr8-143934854-C-T. GRCh37 (hg19) VCF-style: chr8-145009022-C-T.
Other names: c.982G>A, p.Ala328Thr (NM_000445.5); c.859G>A, p.Ala287Thr (NM_201378.4); c.835G>A, p.Ala279Thr (NM_201379.3); c.1312G>A, p.Ala438Thr (NM_201380.4); c.805G>A, p.Ala269Thr (NM_201381.3); c.901G>A, p.Ala301Thr (NM_201382.4); c.913G>A, p.Ala305Thr (NM_201383.3); c.982G>A (NM_000445.3); short protein forms A301T, A305T, A279T, A287T, A328T, A438T, A269T.
Identifiers: ClinVar variation 966784 (VCV000966784.11), dbSNP rs573432728, ClinGen allele CA4928263.